The following is an entry in ClinVar:

ClinVar aggregate classification (germline): Conflicting classifications of pathogenicity. Review status: criteria provided, conflicting classifications (1 of 4 stars). 3 submissions from 3 submitters: Pathogenic (1); Uncertain significance (1). 1 of the submissions does not count toward it. Last evaluated 2023-12-19.

Conditions:
Mitochondrial complex I deficiency, nuclear type 6. Also called: Mitochondrial complex 1 deficiency, nuclear type 6. Identifiers: MedGen C4748759, MONDO:0032611, OMIM 618228.

Allele frequency attached by ClinVar (database versions not stated): gnomAD exomes below 0.00001; TOPMed below 0.00001.
gnomAD v4.1: 6 of 1,613,992 alleles (0.00037%); highest among the groups gnomAD compares: Non-Finnish European, 0.00051%; no homozygotes.

Submissions (3):

Labcorp Genetics (formerly Invitae), Labcorp
Classification: Uncertain significance. Last evaluated: 2023-12-19. Review status: criteria provided, single submitter. Criteria: Invitae Variant Classification Sherloc (09022015). Collection method: clinical testing. Allele origin: germline.
Comment: This sequence change replaces arginine, which is basic and polar, with glutamine, which is neutral and polar, at codon 228 of the NDUFS2 protein (p.Arg228Gln). This variant is not present in population databases (gnomAD no frequency). This missense change has been observed in individual(s) with isolated complex I deficiency (PMID: 11220739). It has also been observed to segregate with disease in related individuals. ClinVar contains an entry for this variant (Variation ID: 6709). Advanced modeling of protein sequence and biophysical properties (such as structural, functional, and spatial information, amino acid conservation, physicochemical variation, residue mobility, and thermodynamic stability) performed at Invitae indicates that this missense variant is expected to disrupt NDUFS2 protein function with a positive predictive value of 80%. In summary, the available evidence is currently insufficient to determine the role of this variant in disease. Therefore, it has been classified as a Variant of Uncertain Significance.

Revvity Omics, Revvity
Classification: Pathogenic. Last evaluated: 2019-05-29. Review status: criteria provided, single submitter. Criteria: ACMG Guidelines, 2015. Collection method: clinical testing. Allele origin: germline.

OMIM
Classification: Pathogenic for MITOCHONDRIAL COMPLEX I DEFICIENCY, NUCLEAR TYPE 6. Last evaluated: 2001-02-01. Review status: no assertion criteria provided. Collection method: literature only. Allele origin: germline. Not counted in ClinVar's aggregate classification.

Literature cited by the submitters: PubMed 11220739 (cited by Labcorp Genetics (formerly Invitae), Labcorp and OMIM).

NM_001377299.1(NDUFS2):c.683G>A (p.Arg228Gln)

Gene: NDUFS2 (NADH:ubiquinone oxidoreductase core subunit S2; plus strand). Cytogenetic location: 1q23.3.
Variant type: single nucleotide variant.
Coding change: c.683G>A on transcript NM_001377299.1 (MANE Select); coding-DNA position 683, G replaced by A.
Protein change: p.Arg228Gln; replaces arginine 228 with glutamine.
Molecular consequence: missense variant. On other transcripts: non-coding transcript variant (1).
Genome position (GRCh38, 1-based): chr1:161,209,912, G>A. VCF-style: chr1-161209912-G-A. GRCh37 (hg19) VCF-style: chr1-161179702-G-A.
Other names: c.683G>A, p.Arg228Gln (NM_001166159.2, NM_001377298.1, NM_001377300.1 and 3 more transcripts); short protein forms R228Q.
Identifiers: ClinVar variation 6709 (VCV000006709.8), dbSNP rs121434427, ClinGen allele CA118441.
Genomic context (GRCh38, chr1:161,209,912, plus strand): 5'-TGAAGATGTTTGAGTTCTACGAGCGAGTGTCTGGAGCCCGAATGCATGCTGCTTATATCC[G>A]GCCAGGAGGAGTGCACCAGGTGAGCAGGTCCCCGGCTTCCCCAAATGTCCAGCCCAGGCC-3'
Protein context (NP_001364228.1, residues 218-238): SGARMHAAYI[Arg228Gln]PGGVHQDLPL